The following is an entry in ClinVar:

NM_017739.4(POMGNT1):c.763C>T (p.His255Tyr)

Genes: POMGNT1 (protein O-linked mannose N-acetylglucosaminyltransferase 1 (beta 1,2-); minus strand), TSPAN1 (tetraspanin 1; plus strand). Cytogenetic location: 1p34.1.
Variant type: single nucleotide variant.
Coding change: c.763C>T on transcript NM_017739.4 (MANE Select); coding-DNA position 763, C replaced by T.
Protein change: p.His255Tyr; replaces histidine 255 with tyrosine.
Molecular consequence: missense variant.
Genome position (GRCh38, 1-based): chr1:46,194,390, G>A on the plus strand (C>T on the coding strand, the complement: POMGNT1 is on the minus strand). VCF-style: chr1-46194390-G-A. GRCh37 (hg19) VCF-style: chr1-46660062-G-A.
Other names: c.763C>T, p.His255Tyr (NM_001243766.2, NM_001410783.1); c.697C>T, p.His233Tyr (NM_001290129.3); c.334C>T, p.His112Tyr (NM_001290130.2); short protein forms H112Y, H233Y, H255Y.
Identifiers: ClinVar variation 2444826 (VCV002444826.1), dbSNP rs2525424894, ClinGen allele CA340183467.
Genomic context (GRCh38, chr1:46,194,390, plus strand): 5'-AGCCCTCAACTTTGCTGCAGAAGCGCCGGCGGCGACGGTTCAGCTCTGTGTCTGCCCAGT[G>A]GCACTCTGCCTCTGAGGGAAGGATGCGGTTGTCATGGAGGCATGGGGCCAGCAAGGTTTG-3'
Protein context (NP_060209.4, residues 245-265): PLSSAEEAEC[His255Tyr]WADTELNRRR

ClinVar aggregate classification (germline): Uncertain significance (1 of 4 stars; one submission).

Allele frequency attached by ClinVar (database versions not stated): gnomAD exomes below 0.00001.
gnomAD v4.1: 1 of 1,614,200 alleles (0.000062%); highest among the groups gnomAD compares: Non-Finnish European, 0.000085%; no homozygotes.

Submission:

GeneDx
Classification: Uncertain significance. Last evaluated: 2022-09-19. Review status: criteria provided, single submitter. Criteria: GeneDx Variant Classification Process June 2021. Collection method: clinical testing. Allele origin: germline. Affected: yes.
Comment: Not observed at significant frequency in large population cohorts (gnomAD); In silico analysis supports that this missense variant does not alter protein structure/function; Has not been previously published as pathogenic or benign to our knowledge; This variant is associated with the following publications: (PMID: 24282183)